The following is an entry in ClinVar:

ClinVar aggregate classification (germline): Likely benign (1 of 4 stars; one submission).

gnomAD v4.1: 110 of 1,601,482 alleles (0.0069%); highest among the groups gnomAD compares: Non-Finnish European, 0.009%; no homozygotes.

Submission:

CeGaT Center for Human Genetics Tuebingen
Classification: Likely benign. Last evaluated: 2026-07-01. Review status: criteria provided, single submitter. Criteria: CeGaT Center For Human Genetics Tuebingen Variant Classification Criteria Version 2. Collection method: clinical testing. Allele origin: germline. Affected: yes. Observed: 1 variant allele.
Comment: KDM4B: BP4, BS2

NM_015015.3(KDM4B):c.1906+7G>C

Gene: KDM4B (lysine demethylase 4B; plus strand). Cytogenetic location: 19p13.3.
Variant type: single nucleotide variant.
Coding change: c.1906+7G>C on transcript NM_015015.3 (MANE Select); 7 bases into the intron after coding-DNA position 1906, G replaced by C.
Molecular consequence: intron variant.
Genome position (GRCh38, 1-based): chr19:5,132,014, G>C. VCF-style: chr19-5132014-G-C. GRCh37 (hg19) VCF-style: chr19-5132025-G-C.
Other names: c.2008+7G>C (NM_001411148.1).
Identifiers: ClinVar variation 5039531 (VCV005039531.1).